The following is an entry in ClinVar:

ClinVar aggregate classification (germline): Benign/Likely benign. Review status: criteria provided, multiple submitters, no conflicts (2 of 4 stars). 3 submissions from 3 submitters: Benign (2); Likely benign (1). Last evaluated 2025-02-16.

Conditions:
Leigh syndrome (NULS). Also called: Leigh's necrotizing encephalopathy; Leigh's disease; Leigh Syndrome (mtDNA deletion); Leigh Disease; Subacute necrotizing encephalopathy; Necrotizing encephalopathy infantile subacute of Leigh. Identifiers: Orphanet 506, MedGen C2931891, MONDO:0009723, OMIM 256000.

Submissions (3):

Laboratory of Genetics, Children's Clinical University Hospital Latvia
Classification: Likely benign. Last evaluated: 2025-02-16. Review status: criteria provided, single submitter. Criteria: ACMG Guidelines, 2015. Collection method: clinical testing. Allele origin: germline. Affected: yes.

Wong Mito Lab, Molecular and Human Genetics, Baylor College of Medicine
Classification: Benign for Leigh syndrome. Last evaluated: 2019-10-17. Review status: criteria provided, single submitter. Criteria: Modified ACMG Guidelines (Unpublished). Collection method: clinical testing. Allele origin: germline.
Comment: The NC_012920.1:m.3992C>T (YP_003024026.1:p.Thr229Met) variant in MTND1 gene is interpretated to be a Benign variant based on the modified ACMG guidelines (unpublished). This variant meets the following evidence codes: BA1

Breakthrough Genomics
Classification: Benign. Review status: criteria provided, single submitter. Criteria: ACMG Guidelines, 2015. Collection method: not provided. Allele origin: germline. Inheritance: Unknown mechanism. Affected: yes.

NC_012920.1(MT-ND1):m.3992C>T

Gene: MT-ND1 (mitochondrially encoded NADH dehydrogenase 1; plus strand).
Variant type: single nucleotide variant.
Genome position: chrM-3992-C-T.
Identifiers: ClinVar variation 692410 (VCV000692410.3), dbSNP rs879051705, ClinGen allele CA337096751.